The following is an entry in ClinVar:

ClinVar aggregate classification (germline): Conflicting classifications of pathogenicity. Review status: criteria provided, conflicting classifications (1 of 4 stars). 2 submissions from 2 submitters: Uncertain significance (1); Benign (1). Last evaluated 2026-07-01.

Submissions (2):

CeGaT Center for Human Genetics Tuebingen
Classification: Uncertain significance. Last evaluated: 2026-07-01. Review status: criteria provided, single submitter. Criteria: CeGaT Center For Human Genetics Tuebingen Variant Classification Criteria Version 2. Collection method: clinical testing. Allele origin: germline. Affected: yes. Observed: 1 variant allele.
Comment: VWF: PM2

Quest Diagnostics Nichols Institute San Juan Capistrano
Classification: Benign. Last evaluated: 2022-06-30. Review status: criteria provided, single submitter. Criteria: Quest Diagnostics criteria. Collection method: clinical testing. Allele origin: unknown.

Literature cited by the submitters: PubMed 22197721 (cited by Quest Diagnostics Nichols Institute San Juan Capistrano); PubMed 26988807 (cited by Quest Diagnostics Nichols Institute San Juan Capistrano).

NM_000552.5(VWF):c.3485_3486inv (p.Pro1162Leu)

Gene: VWF (von Willebrand factor; minus strand). Cytogenetic location: 12p13.31.
Variant type: Inversion.
Coding change: c.3485_3486inv on transcript NM_000552.5 (MANE Select).
Protein change: p.Pro1162Leu; replaces proline 1162 with leucine.
Molecular consequence: missense variant.
Genome position: GRCh38 VCF-style: chr12-6022792-TG-CA. GRCh37 (hg19) VCF-style: chr12-6131958-TG-CA.
Other names: c.3485_3486delinsTG (NM_000552.4); short protein forms P1162L.
Identifiers: ClinVar variation 619934 (VCV000619934.4), ClinGen allele CA658683073.
Genomic context (GRCh38, chr12:6,022,792, plus strand): 5'-GGCCTCACCTGGAGGGCAGTGGGCATGGCAGCCCTCCACACACTGCACAGGGCAGGCCAG[TG>CA]GCTCAGGGTGCTGACACGTGACTTGACAGGCAGGTGCACAGCTGTTATAGCGCCACTCAC-3'
Protein context (NP_000543.3, residues 1152-1172): ACQVTCQHPE[Pro1162Leu]LACPVQCVEG